The following is an entry in ClinVar:

ClinVar aggregate classification (germline): Pathogenic (1 of 4 stars; one submission).

Conditions:
Developmental and epileptic encephalopathy 94 (DEE94). Also called: CHD2-Related Neurodevelopmental Disorders; Epileptic encephalopathy, childhood-onset. Identifiers: Orphanet 1942, Orphanet 2382, MedGen C3809278, MONDO:0014150, OMIM 615369.

Submission:

Labcorp Genetics (formerly Invitae), Labcorp
Classification: Pathogenic for Developmental and epileptic encephalopathy 94. Last evaluated: 2023-09-25. Review status: criteria provided, single submitter. Criteria: Invitae Variant Classification Sherloc (09022015). Collection method: clinical testing. Allele origin: germline.
Comment: This variant is not present in population databases (gnomAD no frequency). This sequence change creates a premature translational stop signal (p.His620Ilefs*3) in the CHD2 gene. It is expected to result in an absent or disrupted protein product. Loss-of-function variants in CHD2 are known to be pathogenic (PMID: 23708187, 24207121). This variant has not been reported in the literature in individuals affected with CHD2-related conditions. For these reasons, this variant has been classified as Pathogenic.

Literature cited by the submitters: PubMed 23708187; PubMed 24207121.

NM_001271.4(CHD2):c.1858del (p.His620fs)

Gene: CHD2 (chromodomain helicase DNA binding protein 2; plus strand). Cytogenetic location: 15q26.1.
Variant type: Deletion.
Coding change: c.1858del on transcript NM_001271.4 (MANE Select); coding-DNA position 1858, one base deleted (C; older notation c.1858delC).
Protein change: p.His620fs; shifts the reading frame from histidine 620.
Molecular consequence: frameshift variant.
Genome position (GRCh38, 1-based): chr15:92,956,507, C deleted; the last of 3 consecutive C bases (chr15:92,956,505-92,956,507); deleting any one gives the same sequence. VCF-style (leftmost placement, unchanged base first): chr15-92956504-GC-G. GRCh37 (hg19) VCF-style: chr15-93499734-GC-G.
Other names: short protein forms H620fs.
Identifiers: ClinVar variation 2763208 (VCV002763208.3), dbSNP rs2505488349, ClinGen allele CA2697549409.